The following is an entry in ClinVar:

NM_001190274.2(FBXO11):c.123_143dup (p.Pro48_Pro49insGlnGlnGlnProProProPro)

Genes: FBXO11 (F-box protein 11; minus strand), LOC100506235 (uncharacterized LOC100506235; plus strand). Cytogenetic location: 2p16.3.
Variant type: Duplication.
Coding change: c.123_143dup on transcript NM_001190274.2 (MANE Select); coding-DNA positions 123 to 143, 21 bases duplicated (CCAGCAGCAGCCTCCGCCGCC).
Protein change: p.Pro48_Pro49insGlnGlnGlnProProProPro.
Molecular consequence: inframe insertion. On other transcripts: non-coding transcript variant (1).
Genome position (GRCh38, 1-based): chr2:47,905,578-47,905,598, GGCGGCGGAGGCTGCTGCTGG duplicated on the plus strand (CCAGCAGCAGCCTCCGCCGCC on the coding strand, the reverse complement: FBXO11 is on the minus strand); duplicating any 21 consecutive bases within chr2:47,905,578-47,905,604 gives the same sequence; the c. name uses the placement nearest the transcript's 3' end. VCF-style (leftmost placement, unchanged base first): chr2-47905577-C-CGGCGGCGGAGGCTGCTGCTGG. GRCh37 (hg19) VCF-style: chr2-48132716-C-CGGCGGCGGAGGCTGCTGCTGG.
Identifiers: ClinVar variation 4699469 (VCV004699469.1).

ClinVar aggregate classification (germline): Uncertain significance (1 of 4 stars; one submission).

Submission:

Labcorp Genetics (formerly Invitae), Labcorp
Classification: Uncertain significance. Last evaluated: 2025-11-09. Review status: criteria provided, single submitter. Criteria: Invitae Variant Classification Sherloc (09022015). Collection method: clinical testing. Allele origin: germline.
Comment: This variant, c.123_143dup, results in the insertion of 7 amino acid(s) of the FBXO11 protein (p.Gln42_Pro48dup), but otherwise preserves the integrity of the reading frame. This variant is not present in population databases (gnomAD no frequency). This variant has not been reported in the literature in individuals affected with FBXO11-related conditions. In summary, the available evidence is currently insufficient to determine the role of this variant in disease. Therefore, it has been classified as a Variant of Uncertain Significance.